The following is an entry in ClinVar:

ClinVar aggregate classification (germline): Uncertain significance (1 of 4 stars; one submission).

Submission:

GeneDx
Classification: Uncertain significance. Last evaluated: 2025-06-12. Review status: criteria provided, single submitter. Criteria: GeneDx Variant Classification Process June 2021. Collection method: clinical testing. Allele origin: germline. Affected: yes.
Comment: Not observed at significant frequency in large population cohorts (gnomAD); In silico analysis supports that this missense variant has a deleterious effect on protein structure/function; Has not been previously published as pathogenic or benign to our knowledge

NM_001020658.2(PUM1):c.227A>G (p.Gln76Arg)

Gene: PUM1 (pumilio RNA binding family member 1; minus strand). Cytogenetic location: 1p35.2.
Variant type: single nucleotide variant.
Coding change: c.227A>G on transcript NM_001020658.2 (MANE Select); coding-DNA position 227, A replaced by G.
Protein change: p.Gln76Arg; replaces glutamine 76 with arginine.
Molecular consequence: missense variant.
Genome position (GRCh38, 1-based): chr1:31,059,340, T>C on the plus strand (A>G on the coding strand, the complement: PUM1 is on the minus strand). VCF-style: chr1-31059340-T-C. GRCh37 (hg19) VCF-style: chr1-31532187-T-C.
Other names: c.227A>G, p.Gln76Arg (NM_014676.3); short protein forms Q76R.
Identifiers: ClinVar variation 4537931 (VCV004537931.1).